The following is an entry in ClinVar:

ClinVar aggregate classification (germline): Uncertain significance (1 of 4 stars; one submission).

gnomAD v4.1: 7 of 1,561,828 alleles (0.00045%); highest among the groups gnomAD compares: Non-Finnish European, 0.00052%; no homozygotes.

Submission:

Labcorp Genetics (formerly Invitae), Labcorp
Classification: Uncertain significance. Last evaluated: 2025-07-28. Review status: criteria provided, single submitter. Criteria: Invitae Variant Classification Sherloc (09022015). Collection method: clinical testing. Allele origin: germline.
Comment: This sequence change replaces serine, which is neutral and polar, with proline, which is neutral and non-polar, at codon 361 of the IKZF1 protein (p.Ser361Pro). This variant is not present in population databases (gnomAD no frequency). This variant has not been reported in the literature in individuals affected with IKZF1-related conditions. ClinVar contains an entry for this variant (Variation ID: 2794081). An algorithm developed to predict the effect of missense changes on protein structure and function outputs the following: PolyPhen-2: "Benign". The proline amino acid residue is found in multiple mammalian species, which suggests that this missense change does not adversely affect protein function. In summary, the available evidence is currently insufficient to determine the role of this variant in disease. Therefore, it has been classified as a Variant of Uncertain Significance.

NM_006060.6(IKZF1):c.1081T>C (p.Ser361Pro)

Gene: IKZF1 (IKAROS family zinc finger 1; plus strand). Cytogenetic location: 7p12.2.
Variant type: single nucleotide variant.
Coding change: c.1081T>C on transcript NM_006060.6 (MANE Select); coding-DNA position 1081, T replaced by C.
Protein change: p.Ser361Pro; replaces serine 361 with proline.
Molecular consequence: missense variant.
Genome position (GRCh38, 1-based): chr7:50,400,148, T>C. VCF-style: chr7-50400148-T-C. GRCh37 (hg19) VCF-style: chr7-50467846-T-C.
Other names: c.955T>C, p.Ser319Pro (NM_001220765.3, NM_001291837.2); c.790T>C, p.Ser264Pro (NM_001220767.2); c.820T>C, p.Ser274Pro (NM_001220768.2, NM_001291838.2); c.664T>C, p.Ser222Pro (NM_001220770.2); c.652T>C, p.Ser218Pro (NM_001220771.2, NM_001291841.1); c.694T>C, p.Ser232Pro (NM_001291839.2); c.391T>C, p.Ser131Pro (NM_001291840.1); c.622T>C, p.Ser208Pro (NM_001291842.1); and 3 more; short protein forms S166P, S232P, S264P, S319P, S208P, S381P, S176P, S218P.
Identifiers: ClinVar variation 2794081 (VCV002794081.3), dbSNP rs899157878, ClinGen allele CA367524376.